The following is an entry in ClinVar:

NM_017668.3(NDE1):c.386+9G>A

Gene: NDE1 (nudE neurodevelopment protein 1; plus strand). Cytogenetic location: 16p13.11.
Variant type: single nucleotide variant.
Coding change: c.386+9G>A on transcript NM_017668.3 (MANE Select); 9 bases into the intron after coding-DNA position 386, G replaced by A.
Molecular consequence: intron variant.
Genome position (GRCh38, 1-based): chr16:15,677,958, G>A. VCF-style: chr16-15677958-G-A. GRCh37 (hg19) VCF-style: chr16-15771815-G-A.
Other names: c.386+9G>A (NM_001143979.2).
Identifiers: ClinVar variation 288031 (VCV000288031.20), dbSNP rs147174812, ClinGen allele CA7920585.
Genomic context (GRCh38, chr16:15,677,958, plus strand): 5'-AATACATCAGAGAGCTGGAGCAAGCAAATGACGACCTGGAAAGAGCCAAGCGGTATGGGT[G>A]GAAGGGAAAAGCACGAGTGGGAGACTCTCCTCTCTGCTTTTTGTCCCCAGCAGCTGGGTA-3'

ClinVar aggregate classification (germline): Conflicting classifications of pathogenicity. Review status: criteria provided, conflicting classifications (1 of 4 stars). 5 submissions from 5 submitters: Uncertain significance (2); Likely benign (3). Last evaluated 2025-10-02.

Conditions:
Lissencephaly 4 (LIS4). Also called: Lissencephaly 4 (with microcephaly). Identifiers: Orphanet 1083, MedGen C3151461, MONDO:0013527, OMIM 614019.

Allele frequency attached by ClinVar (database versions not stated): 1000 Genomes Project 0.00020; 1000 Genomes Project 30x 0.00031; ExAC 0.00042; ESP Exome Variant Server 0.00046; gnomAD exomes 0.00046 and 0.00048; gnomAD 0.00060 and 0.00063; TOPMed 0.00069.
gnomAD v4.1: 792 of 1,614,032 alleles (0.049%); highest among the groups gnomAD compares: Middle Eastern, 0.1%; no homozygotes.

Submissions (5):

Labcorp Genetics (formerly Invitae), Labcorp
Classification: Likely benign. Last evaluated: 2025-10-02. Review status: criteria provided, single submitter. Criteria: Invitae Variant Classification Sherloc (09022015). Collection method: clinical testing. Allele origin: germline.

Blueprint Genetics
Classification: Likely benign. Last evaluated: 2024-09-23. Review status: criteria provided, single submitter. Criteria: ACMG Guidelines, 2015. Collection method: clinical testing. Allele origin: germline.

Illumina Laboratory Services, Illumina
Classification: Uncertain significance for Lissencephaly 4. Last evaluated: 2018-01-13. Review status: criteria provided, single submitter. Criteria: ICSL Variant Classification Criteria 13 December 2019. Collection method: clinical testing. Allele origin: germline.

GeneDx
Classification: Likely benign. Last evaluated: 2017-07-05. Review status: criteria provided, single submitter. Criteria: GeneDx Variant Classification (06012015). Collection method: clinical testing. Allele origin: germline. Affected: yes.
Comment: This variant is considered likely benign or benign based on one or more of the following criteria: it is a conservative change, it occurs at a poorly conserved position in the protein, it is predicted to be benign by multiple in silico algorithms, and/or has population frequency not consistent with disease.

Eurofins Ntd Llc (ga)
Classification: Uncertain significance. Last evaluated: 2016-06-22. Review status: criteria provided, single submitter. Criteria: EGL Classification Definitions 2015. Collection method: clinical testing. Allele origin: germline. Observed: 1 variant allele, 1 heterozygote.